The following is an entry in ClinVar:

ClinVar aggregate classification (germline): Uncertain significance (1 of 4 stars; one submission).

Submission:

CeGaT Center for Human Genetics Tuebingen
Classification: Uncertain significance. Last evaluated: 2026-05-01. Review status: criteria provided, single submitter. Criteria: CeGaT Center For Human Genetics Tuebingen Variant Classification Criteria Version 2. Collection method: clinical testing. Allele origin: germline. Affected: yes. Observed: 1 variant allele.
Comment: STS: PM2:Supporting, BP7

NM_001320752.2(STS):c.1392C>T (p.Phe464=)

Gene: STS (steroid sulfatase; plus strand). Cytogenetic location: Xp22.31.
Variant type: single nucleotide variant.
Coding change: c.1392C>T on transcript NM_001320752.2 (MANE Select); coding-DNA position 1392, C replaced by T.
Protein change: p.Phe464=; no amino-acid change (phenylalanine 464 retained).
Molecular consequence: synonymous variant.
Genome position (GRCh38, 1-based): chrX:7,349,916, C>T. VCF-style: chrX-7349916-C-T. GRCh37 (hg19) VCF-style: chrX-7267957-C-T.
Other names: c.1392C>T, p.Phe464= (NM_000351.7, NM_001320753.2, NM_001320754.2); c.1428C>T, p.Phe476= (NM_001320750.3, NM_001320751.2).
Identifiers: ClinVar variation 4873631 (VCV004873631.2).
Genomic context (GRCh38, chrX:7,349,916, plus strand): 5'-CCTAATGCCGTTTCCATCCTTTTAAACCACAGGCACATCCATCTGGAAGGCCTTTTTCTT[C>T]ACCCCCAACTTCAACCCCGTGGGTTCCAACGGATGCTTTGCCACACACGTGTGCTTCTGT-3'
Protein context (NP_001307681.2, residues 454-474): NSTSIWKAFF[Phe464=]TPNFNPVGSN